The following is an entry in ClinVar:

ClinVar aggregate classification (germline): Uncertain significance. Review status: criteria provided, multiple submitters, no conflicts (2 of 4 stars). 2 submissions from 2 submitters: Uncertain significance (2). Last evaluated 2025-09-27.

Conditions:
Hereditary cancer-predisposing syndrome. Also called: Tumor predisposition; Hereditary Cancer Syndrome; Hereditary neoplastic syndrome; Neoplastic Syndromes, Hereditary. Identifiers: Orphanet 140162, MedGen C0027672, MeSH D009386, MONDO:0015356.
Hereditary pheochromocytoma and paraganglioma. Also called: Hereditary paragangliomas and pheochromocytomas; Hereditary Paraganglioma-Pheochromocytoma Syndromes; Hereditary pheochromocytoma-paraganglioma. Identifiers: Orphanet 29072, MedGen C4274332, MONDO:0017366.

gnomAD v4.1: 2 of 1,614,180 alleles (0.00012%); highest among the groups gnomAD compares: Non-Finnish European, 0.00017%; no homozygotes.

Submissions (2):

Ambry Genetics
Classification: Uncertain significance for Hereditary cancer-predisposing syndrome. Last evaluated: 2025-09-27. Review status: criteria provided, single submitter. Criteria: Ambry Variant Classification Scheme 2023. Collection method: clinical testing. Allele origin: germline.
Comment: The p.R166L variant (also known as c.497G>T), located in coding exon 4 of the SDHAF2 gene, results from a G to T substitution at nucleotide position 497. The arginine at codon 166 is replaced by leucine, an amino acid with dissimilar properties. This amino acid position is conserved. In addition, this alteration is predicted to be tolerated by in silico analysis. Based on the available evidence, the clinical significance of this variant remains unclear.

Labcorp Genetics (formerly Invitae), Labcorp
Classification: Uncertain significance for Hereditary pheochromocytoma and paraganglioma. Last evaluated: 2024-05-02. Review status: criteria provided, single submitter. Criteria: Invitae Variant Classification Sherloc (09022015). Collection method: clinical testing. Allele origin: germline.
Comment: This sequence change replaces arginine, which is basic and polar, with leucine, which is neutral and non-polar, at codon 166 of the SDHAF2 protein (p.Arg166Leu). This variant is not present in population databases (gnomAD no frequency). This variant has not been reported in the literature in individuals affected with SDHAF2-related conditions. ClinVar contains an entry for this variant (Variation ID: 2184246). An algorithm developed to predict the effect of missense changes on protein structure and function (PolyPhen-2) suggests that this variant is likely to be tolerated. In summary, the available evidence is currently insufficient to determine the role of this variant in disease. Therefore, it has been classified as a Variant of Uncertain Significance.

NM_017841.4(SDHAF2):c.497G>T (p.Arg166Leu)

Gene: SDHAF2 (succinate dehydrogenase complex assembly factor 2; plus strand). Cytogenetic location: 11q12.2.
Variant type: single nucleotide variant.
Coding change: c.497G>T on transcript NM_017841.4 (MANE Select); coding-DNA position 497, G replaced by T.
Protein change: p.Arg166Leu; replaces arginine 166 with leucine.
Molecular consequence: missense variant.
Genome position (GRCh38, 1-based): chr11:61,446,067, G>T. VCF-style: chr11-61446067-G-T. GRCh37 (hg19) VCF-style: chr11-61213539-G-T.
Other names: short protein forms R166L.
Identifiers: ClinVar variation 2184246 (VCV002184246.5), dbSNP rs768048172, ClinGen allele CA380685683.